The following is an entry in ClinVar:

NM_012291.5(ESPL1):c.4435A>G (p.Arg1479Gly)

Gene: ESPL1 (extra spindle pole bodies like 1, separase; plus strand). Cytogenetic location: 12q13.13.
Variant type: single nucleotide variant.
Coding change: c.4435A>G on transcript NM_012291.5 (MANE Select); coding-DNA position 4435, A replaced by G.
Protein change: p.Arg1479Gly; replaces arginine 1479 with glycine.
Molecular consequence: missense variant.
Genome position (GRCh38, 1-based): chr12:53,288,230, A>G. VCF-style: chr12-53288230-A-G. GRCh37 (hg19) VCF-style: chr12-53682014-A-G.
Other names: short protein forms R1479G.
Identifiers: ClinVar variation 732992 (VCV000732992.5), dbSNP rs142631451, ClinGen allele CA6597673.

ClinVar aggregate classification (germline): Benign. Review status: criteria provided, single submitter (1 of 4 stars). 2 submissions from 2 submitters: Benign (1). 1 of the submissions does not count toward it. Last evaluated 2018-06-27.

Conditions:
ESPL1-related disorder. Also called: ESPL1-related condition.

Allele frequency attached by ClinVar (database versions not stated): gnomAD exomes 0.00041 and 0.00106; ExAC 0.00172; ESP Exome Variant Server 0.00415; gnomAD 0.00437 and 0.00465; TOPMed 0.00471; 1000 Genomes Project 0.00559; 1000 Genomes Project 30x 0.00671.

Submissions (2):

Labcorp Genetics (formerly Invitae), Labcorp
Classification: Benign. Last evaluated: 2018-06-27. Review status: criteria provided, single submitter. Criteria: Invitae Variant Classification Sherloc (09022015). Collection method: clinical testing. Allele origin: germline.

PreventionGenetics, part of Exact Sciences
Classification: Benign for ESPL1-related condition. Last evaluated: 2019-10-28. Review status: no assertion criteria provided. Collection method: clinical testing. Allele origin: germline. Not counted in ClinVar's aggregate classification.
Comment: This variant is classified as benign based on ACMG/AMP sequence variant interpretation guidelines (Richards et al. 2015 PMID: 25741868, with internal and published modifications).